The following is an entry in ClinVar:

ClinVar aggregate classification (germline): Uncertain significance. Review status: criteria provided, multiple submitters, no conflicts (2 of 4 stars). 4 submissions from 4 submitters: Uncertain significance (4). Last evaluated 2026-06-29.

Conditions:
Autosomal recessive limb-girdle muscular dystrophy type 2J (LGMDR10). Also called: Limb-girdle muscular dystrophy, type 2J; MUSCULAR DYSTROPHY, LIMB-GIRDLE, AUTOSOMAL RECESSIVE 10. Identifiers: Orphanet 140922, MedGen C1837342, MONDO:0012127, OMIM 608807.
Dilated cardiomyopathy 1G (CMD1G). Identifiers: Orphanet 154, MedGen C1858763, MONDO:0011400, OMIM 604145.
TTN-related disorder. Also called: TTN-related condition; TTN-related disease; TTN-related disorders.
Cardiomyopathy (CMYO). Also called: Cardiomyopathies. Identifiers: Orphanet 167848, MedGen C0878544, MONDO:0004994, HP:0001638. Inheritance: Various modes of inheritance.

Allele frequency attached by ClinVar (database versions not stated): TOPMed 0.00005; ESP Exome Variant Server 0.00008.
gnomAD v4.1: 124 of 1,613,790 alleles (0.0077%); highest among the groups gnomAD compares: Non-Finnish European, 0.0095%; no homozygotes.

Submissions (4):

PreventionGenetics, part of Exact Sciences
Classification: Uncertain significance for TTN-related condition. Last evaluated: 2026-06-29. Review status: criteria provided, single submitter. Criteria: ACMG Guidelines, 2015. Collection method: clinical testing. Allele origin: germline.
Comment: The TTN c.106217G>C variant is predicted to result in the amino acid substitution p.Arg35406Thr. To our knowledge, this variant has not been reported in the literature. This variant is reported in 0.0055% of alleles in individuals of European (Non-Finnish) descent in gnomAD. At this time, the clinical significance of this variant is uncertain due to the absence of conclusive functional and genetic evidence.

Labcorp Genetics (formerly Invitae), Labcorp
Classification: Uncertain significance for Dilated cardiomyopathy 1G; Autosomal recessive limb-girdle muscular dystrophy type 2J. Last evaluated: 2025-01-28. Review status: criteria provided, single submitter. Criteria: Invitae Variant Classification Sherloc (09022015). Collection method: clinical testing. Allele origin: germline.
Comment: This sequence change replaces arginine, which is basic and polar, with threonine, which is neutral and polar, at codon 35406 of the TTN protein (p.Arg35406Thr). This variant is present in population databases (rs371304729, gnomAD 0.006%). This variant has not been reported in the literature in individuals affected with TTN-related conditions. ClinVar contains an entry for this variant (Variation ID: 848708). Experimental studies and prediction algorithms are not available or were not evaluated, and the functional significance of this variant is currently unknown. This variant is located in the M band of TTN (PMID: 25589632). Non-truncating variants in this region may be relevant for neuromuscular disorders, but have not been definitively shown to cause cardiomyopathy (PMID: 23975875). In summary, the available evidence is currently insufficient to determine the role of this variant in disease. Therefore, it has been classified as a Variant of Uncertain Significance.

CHEO Genetics Diagnostic Laboratory, Children's Hospital of Eastern Ontario
Classification: Uncertain significance for Cardiomyopathy. Last evaluated: 2021-08-11. Review status: criteria provided, single submitter. Criteria: ACMG Guidelines, 2015. Collection method: clinical testing. Allele origin: germline.

Women's Health and Genetics/Laboratory Corporation of America, LabCorp
Classification: Uncertain significance. Last evaluated: 2021-04-20. Review status: criteria provided, single submitter. Criteria: LabCorp Variant Classification Summary - May 2015. Collection method: clinical testing. Allele origin: germline.
Comment: Variant summary: TTN c.98513G>C (p.Arg32838Thr) results in a non-conservative amino acid change located in the M- band of the encoded protein sequence. Four of five in-silico tools predict a benign effect of the variant on protein function. The variant allele was found at a frequency of 2.4e-05 in 249102 control chromosomes (gnomAD). The available data on variant occurrences in the general population are insufficient to allow any conclusion about variant significance. To our knowledge, no occurrence of c.98513G>C in individuals affected with Dilated Cardiomyopathy and no experimental evidence demonstrating its impact on protein function have been reported. One clinical diagnostic laboratory has submitted clinical-significance assessments for this variant to ClinVar after 2014 without evidence for independent evaluation. One laboratory classified the variant as uncertain significance. Based on the evidence outlined above, the variant was classified as uncertain significance.

Literature cited by the submitters: PubMed 25589632 (cited by Labcorp Genetics (formerly Invitae), Labcorp); PubMed 23975875 (cited by Labcorp Genetics (formerly Invitae), Labcorp).

NM_001267550.2(TTN):c.106217G>C (p.Arg35406Thr)

Genes: TTN-AS1 (TTN antisense RNA 1; plus strand), TTN (titin; minus strand). Cytogenetic location: 2q31.2.
Variant type: single nucleotide variant.
Coding change: c.106217G>C on transcript NM_001267550.2 (MANE Select); coding-DNA position 106217, G replaced by C.
Protein change: p.Arg35406Thr; replaces arginine 35406 with threonine.
Molecular consequence: missense variant.
Genome position (GRCh38, 1-based): chr2:178,530,398, C>G on the plus strand (G>C on the coding strand, the complement: TTN is on the minus strand). VCF-style: chr2-178530398-C-G. GRCh37 (hg19) VCF-style: chr2-179395125-C-G.
Other names: c.101294G>C, p.Arg33765Thr (NM_001256850.1); c.79022G>C, p.Arg26341Thr (NM_003319.4); c.98513G>C, p.Arg32838Thr (NM_133378.4); c.79397G>C, p.Arg26466Thr (NM_133432.3); c.79598G>C, p.Arg26533Thr (NM_133437.4); short protein forms R26533T, R35406T, R26466T, R32838T, R33765T, R26341T.
Identifiers: ClinVar variation 848708 (VCV000848708.9), dbSNP rs371304729, ClinGen allele CA1985143.